The following is an entry in ClinVar:

ClinVar aggregate classification (germline): Uncertain significance (1 of 4 stars; one submission).

Submission:

GeneDx
Classification: Uncertain significance. Last evaluated: 2026-03-28. Review status: criteria provided, single submitter. Criteria: GeneDx Variant Classification Process June 2021. Collection method: clinical testing. Allele origin: germline.
Comment: Not observed at significant frequency in large population cohorts (gnomAD); In silico analysis supports that this missense variant has a deleterious effect on protein structure/function; Has not been previously published as pathogenic or benign to our knowledge

NM_138792.4(LEO1):c.1700C>A (p.Ala567Asp)

Gene: LEO1 (LEO1 component of Paf1/RNA polymerase II complex; minus strand). Cytogenetic location: 15q21.2.
Variant type: single nucleotide variant.
Coding change: c.1700C>A on transcript NM_138792.4 (MANE Select); coding-DNA position 1700, C replaced by A.
Protein change: p.Ala567Asp; replaces alanine 567 with aspartic acid.
Molecular consequence: missense variant.
Genome position (GRCh38, 1-based): chr15:51,949,906, G>T on the plus strand (C>A on the coding strand, the complement: LEO1 is on the minus strand). VCF-style: chr15-51949906-G-T. GRCh37 (hg19) VCF-style: chr15-52242103-G-T.
Other names: c.1520C>A, p.Ala507Asp (NM_001286430.2); c.1700C>A, p.Ala567Asp (NM_001323903.2, NM_001323904.2, NM_001426597.1 and 1 more transcripts); short protein forms A507D, A567D.
Identifiers: ClinVar variation 5017855 (VCV005017855.1).